The following is an entry in ClinVar:

NM_004638.4(PRRC2A):c.5568A>G (p.Gln1856=)

Gene: PRRC2A (proline rich coiled-coil 2A; plus strand). Cytogenetic location: 6p21.33.
Variant type: single nucleotide variant.
Coding change: c.5568A>G on transcript NM_004638.4 (MANE Select); coding-DNA position 5568, A replaced by G.
Protein change: p.Gln1856=; no amino-acid change (glutamine 1856 retained).
Molecular consequence: synonymous variant.
Genome position (GRCh38, 1-based): chr6:31,635,993, A>G. VCF-style: chr6-31635993-A-G. GRCh37 (hg19) VCF-style: chr6-31603770-A-G.
Other names: c.5568A>G, p.Gln1856= (NM_080686.3).
Identifiers: ClinVar variation 3060509 (VCV003060509.2), dbSNP rs11229, ClinGen allele CA3716575.

ClinVar aggregate classification (germline): Benign (0 of 4 stars; one submission).

Conditions:
PRRC2A-related disorder. Also called: PRRC2A-related condition.

Allele frequency attached by ClinVar (database versions not stated): 1000 Genomes Project 0.13339; 1000 Genomes Project 30x 0.13492; ExAC 0.15082; TOPMed 0.16628; ESP Exome Variant Server 0.18622.

Submission:

PreventionGenetics, part of Exact Sciences
Classification: Benign for PRRC2A-related condition. Last evaluated: 2019-10-21. Review status: no assertion criteria provided. Collection method: clinical testing. Allele origin: germline.
Comment: This variant is classified as benign based on ACMG/AMP sequence variant interpretation guidelines (Richards et al. 2015 PMID: 25741868, with internal and published modifications).